The following is an entry in ClinVar:

NM_000037.4(ANK1):c.3984G>A (p.Lys1328=)

Gene: ANK1 (ankyrin 1; minus strand). Cytogenetic location: 8p11.21.
Variant type: single nucleotide variant.
Coding change: c.3984G>A on transcript NM_000037.4 (MANE Select); coding-DNA position 3984, G replaced by A.
Protein change: p.Lys1328=; no amino-acid change (lysine 1328 retained).
Molecular consequence: synonymous variant.
Genome position (GRCh38, 1-based): chr8:41,690,474, C>T on the plus strand (G>A on the coding strand, the complement: ANK1 is on the minus strand). VCF-style: chr8-41690474-C-T. GRCh37 (hg19) VCF-style: chr8-41547992-C-T.
Other names: c.4107G>A, p.Lys1369= (NM_001142446.2); c.3984G>A, p.Lys1328= (NM_020475.3, NM_020476.3, NM_020477.3).
Identifiers: ClinVar variation 2631630 (VCV002631630.1), dbSNP rs2486750150, ClinGen allele CA460543257.

ClinVar aggregate classification (germline): Uncertain significance (1 of 4 stars; one submission).

Conditions:
ANK1-related disorder. Also called: ANK1-related condition.

Submission:

PreventionGenetics, part of Exact Sciences
Classification: Uncertain significance for ANK1-related condition. Last evaluated: 2023-07-10. Review status: criteria provided, single submitter. Criteria: ACMG Guidelines, 2015. Collection method: clinical testing. Allele origin: germline.
Comment: The ANK1 c.3984G>A variant is not predicted to result in an amino acid change (p.=). To our knowledge, this variant has not been reported in the literature or in a large population database, indicating this variant is rare. At this time, the clinical significance of this variant is uncertain due to the absence of conclusive functional and genetic evidence.